The following is an entry in ClinVar:

NM_001243197.2(IQSEC2):c.117G>C (p.Glu39Asp)

Gene: IQSEC2 (IQ motif and Sec7 domain ArfGEF 2; minus strand). Cytogenetic location: Xp11.22.
Variant type: single nucleotide variant.
Coding change: c.117G>C on transcript NM_001243197.2 (MANE Plus Clinical); coding-DNA position 117, G replaced by C.
Protein change: p.Glu39Asp; replaces glutamic acid 39 with aspartic acid.
Molecular consequence: missense variant. On other transcripts: intron variant (1).
Genome position (GRCh38, 1-based): chrX:53,279,569, C>G on the plus strand (G>C on the coding strand, the complement: IQSEC2 is on the minus strand). VCF-style: chrX-53279569-C-G. GRCh37 (hg19) VCF-style: chrX-53308751-C-G.
Other names: c.117G>C, p.Glu39Asp (NM_015075.2); c.737+12326G>C (NM_001111125.3); short protein forms E39D.
Identifiers: ClinVar variation 2431435 (VCV002431435.2), dbSNP rs1246219825, ClinGen allele CA413173944.

ClinVar aggregate classification (germline): Uncertain significance (1 of 4 stars; one submission).

Conditions:
Intellectual developmental disorder, X-linked 1. Also called: Intellectual disability, X-linked 1; Atkin Flaitz Patil Smith syndrome; MENTAL RETARDATION, X-LINKED 18; MENTAL RETARDATION, X-LINKED 78. Identifiers: Orphanet 777, MedGen C2931498, MONDO:0010656, OMIM 309530.

Allele frequency attached by ClinVar (database versions not stated): TOPMed below 0.00001; gnomAD 0.00001.
gnomAD v4.1: 2 of 1,174,779 alleles (0.00017%); highest among the groups gnomAD compares: Non-Finnish European, 0.00023%; no homozygotes.

Submission:

Laboratorio de Genetica e Diagnostico Molecular, Hospital Israelita Albert Einstein
Classification: Uncertain significance for Intellectual developmental disorder, X-linked 1. Last evaluated: 2022-09-16. Review status: criteria provided, single submitter. Criteria: ACMG Guidelines, 2015. Collection method: clinical testing. Allele origin: germline. Affected: yes.
Comment: ACMG classification criteria: PM2 moderated, BP4 supporting